The following is an entry in ClinVar:

ClinVar aggregate classification (germline): Uncertain significance (1 of 4 stars; one submission).

Conditions:
Cardiovascular phenotype. Identifiers: MedGen CN230736.

Submission:

Ambry Genetics
Classification: Uncertain significance for Cardiovascular phenotype. Last evaluated: 2026-04-12. Review status: criteria provided, single submitter. Criteria: Ambry Variant Classification Scheme 2023. Collection method: clinical testing. Allele origin: germline.
Comment: The p.I57N variant (also known as c.170T>A), located in coding exon 2 of the LPL gene, results from a T to A substitution at nucleotide position 170. The isoleucine at codon 57 is replaced by asparagine, an amino acid with dissimilar properties. This amino acid position is conserved. In addition, the in silico prediction for this alteration is inconclusive. Based on the available evidence, the clinical significance of this variant remains unclear.

NM_000237.3(LPL):c.170T>A (p.Ile57Asn)

Gene: LPL (lipoprotein lipase; plus strand). Cytogenetic location: 8p21.3.
Variant type: single nucleotide variant.
Coding change: c.170T>A on transcript NM_000237.3 (MANE Select); coding-DNA position 170, T replaced by A.
Protein change: p.Ile57Asn; replaces isoleucine 57 with asparagine.
Molecular consequence: missense variant.
Genome position (GRCh38, 1-based): chr8:19,948,261, T>A. VCF-style: chr8-19948261-T-A. GRCh37 (hg19) VCF-style: chr8-19805772-T-A.
Other names: short protein forms I57N.
Identifiers: ClinVar variation 4859254 (VCV004859254.1).